The following is an entry in ClinVar:

ClinVar aggregate classification (germline): Pathogenic (1 of 4 stars; one submission).

Conditions:
Neuropathy, hereditary sensory and autonomic, type 2A (HSAN2A). Also called: MORVAN DISEASE; NEUROPATHY, CONGENITAL SENSORY; NEUROPATHY, HEREDITARY SENSORY RADICULAR, AUTOSOMAL RECESSIVE; NEUROPATHY, HEREDITARY SENSORY, TYPE IIA; NEUROPATHY, PROGRESSIVE SENSORY, OF CHILDREN; HSAN IIA. Identifiers: Orphanet 970, MedGen C2752089, MONDO:0024309, OMIM 201300.
Generalized epilepsy with febrile seizures plus, type 7 (GEFSP7). Also called: GEFS+, TYPE 7. Identifiers: Orphanet 36387, MedGen C2751778, MONDO:0013470, OMIM 613863.

Submission:

Labcorp Genetics (formerly Invitae), Labcorp
Classification: Pathogenic for Neuropathy, hereditary sensory and autonomic, type 2A; Generalized epilepsy with febrile seizures plus, type 7. Last evaluated: 2022-09-19. Review status: criteria provided, single submitter. Criteria: Invitae Variant Classification Sherloc (09022015). Collection method: clinical testing. Allele origin: germline.
Comment: This variant is not present in population databases (gnomAD no frequency). This premature translational stop signal has been observed in individual(s) with clinical features of autosomal recessive SCN9A-related conditions (PMID: 34090020). For these reasons, this variant has been classified as Pathogenic. This sequence change creates a premature translational stop signal (p.Trp702*) in the SCN9A gene. It is expected to result in an absent or disrupted protein product. Loss-of-function variants in SCN9A are known to be pathogenic (PMID: 17470132, 19304393).

Literature cited by the submitters: PubMed 34090020; PubMed 17470132; PubMed 19304393.

NM_001365536.1(SCN9A):c.2139G>A (p.Trp713Ter)

Genes: SCN1A-AS1 (SCN1A and SCN9A antisense RNA 1; plus strand), SCN9A (sodium voltage-gated channel alpha subunit 9; minus strand). Cytogenetic location: 2q24.3.
Variant type: single nucleotide variant.
Coding change: c.2139G>A on transcript NM_001365536.1 (MANE Select); coding-DNA position 2139, G replaced by A.
Protein change: p.Trp713Ter; replaces tryptophan 713 with a stop codon.
Molecular consequence: nonsense.
Genome position (GRCh38, 1-based): chr2:166,280,561, C>T on the plus strand (G>A on the coding strand, the complement: SCN9A is on the minus strand). VCF-style: chr2-166280561-C-T. GRCh37 (hg19) VCF-style: chr2-167137071-C-T.
Other names: c.2106G>A, p.Trp702Ter (NM_002977.4); short protein forms W702*, W713*.
Identifiers: ClinVar variation 2025103 (VCV002025103.4), dbSNP rs1553488882, ClinGen allele CA349079925.
Genomic context (GRCh38, chr2:166,280,561, plus strand): 5'-GAATTTTATCCAATATGGAGAGCAATTCCAGATCAAGAATTTGTGTGCAAATCTGTACCA[C>T]CAAGGTGGACATTTTTGTCTGGACTCTTCAAGTTCTGGGAGAAAAAAGCAGAGAACATGG-3'